The following is an entry in ClinVar:

NM_021098.3(CACNA1H):c.5885T>G (p.Leu1962Trp)

Gene: CACNA1H (calcium voltage-gated channel subunit alpha1 H; plus strand). Cytogenetic location: 16p13.3.
Variant type: single nucleotide variant.
Coding change: c.5885T>G on transcript NM_021098.3 (MANE Select); coding-DNA position 5885, T replaced by G.
Protein change: p.Leu1962Trp; replaces leucine 1962 with tryptophan.
Molecular consequence: missense variant.
Genome position (GRCh38, 1-based): chr16:1,218,649, T>G. VCF-style: chr16-1218649-T-G. GRCh37 (hg19) VCF-style: chr16-1268649-T-G.
Other names: c.5867T>G, p.Leu1956Trp (NM_001005407.2); short protein forms L1956W, L1962W.
Identifiers: ClinVar variation 1506340 (VCV001506340.8), dbSNP rs772374857, ClinGen allele CA7802154.

ClinVar aggregate classification (germline): Uncertain significance (1 of 4 stars; one submission).

Conditions:
Hyperaldosteronism, familial, type IV (HALD4). Also called: FH IV; ALDOSTERONISM, PRIMARY, AND HYPERTENSION. Identifiers: Orphanet 642671, MedGen C4310756, MONDO:0014875, OMIM 617027.
Idiopathic generalized epilepsy. Also called: Generalised epilepsy; EIG. Identifiers: MedGen C0270850, MONDO:0005579, OMIM 600669.

Allele frequency attached by ClinVar (database versions not stated): gnomAD exomes below 0.00001 and 0.00001; gnomAD 0.00001; ExAC 0.00008.

Submission:

Labcorp Genetics (formerly Invitae), Labcorp
Classification: Uncertain significance for Idiopathic generalized epilepsy; Hyperaldosteronism, familial, type IV. Last evaluated: 2021-02-01. Review status: criteria provided, single submitter. Criteria: Invitae Variant Classification Sherloc (09022015). Collection method: clinical testing. Allele origin: germline.
Comment: In summary, the available evidence is currently insufficient to determine the role of this variant in disease. Therefore, it has been classified as a Variant of Uncertain Significance. Algorithms developed to predict the effect of missense changes on protein structure and function (SIFT, PolyPhen-2, Align-GVGD) all suggest that this variant is likely to be tolerated, but these predictions have not been confirmed by published functional studies and their clinical significance is uncertain. This variant has not been reported in the literature in individuals with CACNA1H-related conditions. While this variant is present in population databases (rs772374857), the frequency information is unreliable, as metrics indicate poor data quality at this position in the ExAC database. This sequence change replaces leucine with tryptophan at codon 1962 of the CACNA1H protein (p.Leu1962Trp). The leucine residue is weakly conserved and there is a small physicochemical difference between leucine and tryptophan.